The following is an entry in ClinVar:

NM_001393504.1(MAST3):c.1873G>A (p.Glu625Lys)

Gene: MAST3 (microtubule associated serine/threonine kinase 3; plus strand). Cytogenetic location: 19p13.11.
Variant type: single nucleotide variant.
Coding change: c.1873G>A on transcript NM_001393504.1 (MANE Select); coding-DNA position 1873, G replaced by A.
Protein change: p.Glu625Lys; replaces glutamic acid 625 with lysine.
Molecular consequence: missense variant.
Genome position (GRCh38, 1-based): chr19:18,135,742, G>A. VCF-style: chr19-18135742-G-A. GRCh37 (hg19) VCF-style: chr19-18246552-G-A.
Other names: c.1897G>A, p.Glu633Lys (NM_001393501.1); c.1876G>A, p.Glu626Lys (NM_001393502.1); c.1873G>A, p.Glu625Lys (NM_001393503.1); c.1870G>A, p.Glu624Lys (NM_001393505.1); c.1825G>A, p.Glu609Lys (NM_001393506.1, NM_001393513.1); c.1852G>A, p.Glu618Lys (NM_001393507.1); c.1807G>A, p.Glu603Lys (NM_001393508.1, NM_001393516.1); c.1804G>A, p.Glu602Lys (NM_001393509.1, NM_001393510.1, NM_001393512.1 and 2 more transcripts); and 4 more; short protein forms E587K, E595K, E596K, E601K, E602K, E603K, E609K, E618K.
Identifiers: ClinVar variation 3392725 (VCV003392725.2).
Genomic context (GRCh38, chr19:18,135,742, plus strand): 5'-AAAGGGGTACCCTGCCTTCTCCCTCCCTCCCTCATTTTACCTCCCTCCCTCATTTTAGAT[G>A]AGATCATGTGGCCAGAGGGAGATGAGGCCCTTCCAGCAGACGCCCAGGACCTCATCACCA-3'
Protein context (NP_001380433.1, residues 615-635): EELFGQVVSD[Glu625Lys]IMWPEGDEAL

ClinVar aggregate classification (germline): Uncertain significance (1 of 4 stars; one submission).

Submission:

GeneDx
Classification: Uncertain significance. Last evaluated: 2026-01-16. Review status: criteria provided, single submitter. Criteria: GeneDx Variant Classification Process June 2021. Collection method: clinical testing. Allele origin: germline.
Comment: Not observed at significant frequency in large population cohorts (gnomAD); In silico analysis supports that this missense variant has a deleterious effect on protein structure/function; Has not been previously published as pathogenic or benign to our knowledge